The following is an entry in ClinVar:

NM_001355436.2(SPTB):c.300+3A>G

Gene: SPTB (spectrin beta, erythrocytic; minus strand). Cytogenetic location: 14q23.3.
Variant type: single nucleotide variant.
Coding change: c.300+3A>G on transcript NM_001355436.2 (MANE Select); 3 bases into the intron after coding-DNA position 300, A replaced by G.
Molecular consequence: intron variant.
Genome position (GRCh38, 1-based): chr14:64,804,936, T>C on the plus strand (A>G on the coding strand, the complement: SPTB is on the minus strand). VCF-style: chr14-64804936-T-C. GRCh37 (hg19) VCF-style: chr14-65271654-T-C.
Other names: c.300+3A>G (NM_001024858.4, NM_001355437.2).
Identifiers: ClinVar variation 2030182 (VCV002030182.7), dbSNP rs2503226353, ClinGen allele CA2580088554.

ClinVar aggregate classification (germline): Uncertain significance. Review status: criteria provided, multiple submitters, no conflicts (2 of 4 stars). 2 submissions from 2 submitters: Uncertain significance (2). Last evaluated 2024-11-06.

Submissions (2):

Revvity Omics, Revvity
Classification: Uncertain significance. Last evaluated: 2024-11-06. Review status: criteria provided, single submitter. Criteria: ACMG Guidelines, 2015. Collection method: clinical testing. Allele origin: germline.

Labcorp Genetics (formerly Invitae), Labcorp
Classification: Uncertain significance. Last evaluated: 2022-09-13. Review status: criteria provided, single submitter. Criteria: Invitae Variant Classification Sherloc (09022015). Collection method: clinical testing. Allele origin: germline.
Comment: In summary, the available evidence is currently insufficient to determine the role of this variant in disease. Therefore, it has been classified as a Variant of Uncertain Significance. Variants that disrupt the consensus splice site are a relatively common cause of aberrant splicing (PMID: 17576681, 9536098). Algorithms developed to predict the effect of sequence changes on RNA splicing suggest that this variant may disrupt the consensus splice site. This variant has not been reported in the literature in individuals affected with SPTB-related conditions. This variant is not present in population databases (gnomAD no frequency). This sequence change falls in intron 2 of the SPTB gene. It does not directly change the encoded amino acid sequence of the SPTB protein. It affects a nucleotide within the consensus splice site.

Literature cited by the submitters: PubMed 17576681 (cited by Labcorp Genetics (formerly Invitae), Labcorp); PubMed 9536098 (cited by Labcorp Genetics (formerly Invitae), Labcorp).